The following is an entry in ClinVar:

NM_000256.3(MYBPC3):c.2033C>A (p.Ala678Asp)

Gene: MYBPC3 (myosin binding protein C3; minus strand). Cytogenetic location: 11p11.2.
Variant type: single nucleotide variant.
Coding change: c.2033C>A on transcript NM_000256.3 (MANE Select); coding-DNA position 2033, C replaced by A.
Protein change: p.Ala678Asp; replaces alanine 678 with aspartic acid.
Molecular consequence: missense variant.
Genome position (GRCh38, 1-based): chr11:47,339,685, G>T on the plus strand (C>A on the coding strand, the complement: MYBPC3 is on the minus strand). VCF-style: chr11-47339685-G-T. GRCh37 (hg19) VCF-style: chr11-47361236-G-T.
Other names: short protein forms A678D.
Identifiers: ClinVar variation 2773724 (VCV002773724.3), dbSNP rs779258481, ClinGen allele CA078482.

ClinVar aggregate classification (germline): Uncertain significance. Review status: criteria provided, multiple submitters, no conflicts (2 of 4 stars). 2 submissions from 2 submitters: Uncertain significance (2). Last evaluated 2025-08-13.

Conditions:
Cardiomyopathy (CMYO). Also called: Cardiomyopathies. Identifiers: Orphanet 167848, MedGen C0878544, MONDO:0004994, HP:0001638. Inheritance: Various modes of inheritance.
Hypertrophic cardiomyopathy. Also called: HYPERTROPHIC MYOCARDIOPATHY. Identifiers: Orphanet 217569, MedGen C0007194, MeSH D002312, MONDO:0005045, HP:0001639.

Allele frequency attached by ClinVar (database versions not stated): ExAC 0.00002.

Submissions (2):

Labcorp Genetics (formerly Invitae), Labcorp
Classification: Uncertain significance for Hypertrophic cardiomyopathy. Last evaluated: 2025-08-13. Review status: criteria provided, single submitter. Criteria: Invitae Variant Classification Sherloc (09022015). Collection method: clinical testing. Allele origin: germline.
Comment: This sequence change replaces alanine, which is neutral and non-polar, with aspartic acid, which is acidic and polar, at codon 678 of the MYBPC3 protein (p.Ala678Asp). This variant is present in population databases (rs779258481, gnomAD 0.002%). This variant has not been reported in the literature in individuals affected with MYBPC3-related conditions. ClinVar contains an entry for this variant (Variation ID: 2773724). An algorithm developed to predict the effect of missense changes on protein structure and function (PolyPhen-2) suggests that this variant is likely to be disruptive. In summary, the available evidence is currently insufficient to determine the role of this variant in disease. Therefore, it has been classified as a Variant of Uncertain Significance.

Color Diagnostics, LLC DBA Color Health
Classification: Uncertain significance for Cardiomyopathy. Last evaluated: 2023-12-04. Review status: criteria provided, single submitter. Criteria: ACMG Guidelines, 2015. Collection method: clinical testing. Allele origin: germline.
Comment: This missense variant replaces alanine with aspartic acid at codon 678 of the MYBPC3 protein. Computational prediction tools indicate that this variant has a neutral impact on protein structure and function. To our knowledge, functional studies have not been reported for this variant. This variant has not been reported in individuals affected with MYBPC3-related disorders in the literature. This variant has been identified in 2/245862 chromosomes in the general population by the Genome Aggregation Database (gnomAD). The available evidence is insufficient to determine the role of this variant in disease conclusively. Therefore, this variant is classified as a Variant of Uncertain Significance.